The following is an entry in ClinVar:

ClinVar aggregate classification (germline): Uncertain significance (1 of 4 stars; one submission).

Conditions:
Cardiovascular phenotype. Identifiers: MedGen CN230736.

gnomAD v4.1: 1 of 1,613,410 alleles (0.000062%); highest among the groups gnomAD compares: Non-Finnish European, 0.000085%; no homozygotes.

Submission:

Ambry Genetics
Classification: Uncertain significance for Cardiovascular phenotype. Last evaluated: 2024-08-07. Review status: criteria provided, single submitter. Criteria: Ambry Variant Classification Scheme 2023. Collection method: clinical testing. Allele origin: germline.
Comment: The p.V2779L variant (also known as c.8335G>T), located in coding exon 23 of the TNXB gene, results from a G to T substitution at nucleotide position 8335. The valine at codon 2779 is replaced by leucine, an amino acid with highly similar properties. This amino acid position is conserved. In addition, this alteration is predicted to be tolerated by in silico analysis. Based on the available evidence, the clinical significance of this variant remains unclear.

NM_001365276.2(TNXB):c.8335G>T (p.Val2779Leu)

Gene: TNXB (tenascin XB; minus strand). Cytogenetic location: 6p21.33.
Variant type: single nucleotide variant.
Coding change: c.8335G>T on transcript NM_001365276.2 (MANE Select); coding-DNA position 8335, G replaced by T.
Protein change: p.Val2779Leu; replaces valine 2779 with leucine.
Molecular consequence: missense variant.
Genome position (GRCh38, 1-based): chr6:32,055,983, C>A on the plus strand (G>T on the coding strand, the complement: TNXB is on the minus strand). VCF-style: chr6-32055983-C-A. GRCh37 (hg19) VCF-style: chr6-32023760-C-A.
Other names: c.9076G>T, p.Val3026Leu (NM_001428335.1); c.8335G>T, p.Val2779Leu (NM_019105.8); short protein forms V2779L, V3026L.
Identifiers: ClinVar variation 3459768 (VCV003459768.1).